The following is an entry in ClinVar:

ClinVar aggregate classification (germline): Uncertain significance (1 of 4 stars; one submission).

Submission:

GeneDx
Classification: Uncertain significance. Last evaluated: 2023-02-01. Review status: criteria provided, single submitter. Criteria: GeneDx Variant Classification Process June 2021. Collection method: clinical testing. Allele origin: germline. Affected: yes.
Comment: Not observed at significant frequency in large population cohorts (gnomAD); In silico analysis supports that this missense variant does not alter protein structure/function; Has not been previously published as pathogenic or benign to our knowledge

NM_014233.4(UBTF):c.1587G>A (p.Met529Ile)

Genes: ATXN7L3-AS1 (ATXN7L3 antisense RNA 1; plus strand), UBTF (upstream binding transcription factor; minus strand). Cytogenetic location: 17q21.31.
Variant type: single nucleotide variant.
Coding change: c.1587G>A on transcript NM_014233.4 (MANE Select); coding-DNA position 1587, G replaced by A.
Protein change: p.Met529Ile; replaces methionine 529 with isoleucine.
Molecular consequence: missense variant. On other transcripts: non-coding transcript variant (1).
Genome position (GRCh38, 1-based): chr17:44,210,163, C>T on the plus strand (G>A on the coding strand, the complement: UBTF is on the minus strand). VCF-style: chr17-44210163-C-T. GRCh37 (hg19) VCF-style: chr17-42287531-C-T.
Other names: c.1476G>A, p.Met492Ile (NM_001076683.2, NM_001076684.3); short protein forms M492I, M529I.
Identifiers: ClinVar variation 2574966 (VCV002574966.1), dbSNP rs2509929090, ClinGen allele CA399757702.
Genomic context (GRCh38, chr17:44,210,163, plus strand): 5'-TGGCCCCAGCCCCATTCCTACCTCATATCGCTTTTGGTCTTCGGCTGCCTTCTTAATCCA[C>T]ATCAGTTTCTCCTTCTTTTCCATGTTATTCCAGGTCATTTCCATGGCTTTCAAGGCCTTC-3'
Protein context (NP_055048.1, residues 519-539): WNNMEKKEKL[Met529Ile]WIKKAAEDQK